The following is an entry in ClinVar:

ClinVar aggregate classification (germline): Uncertain significance (1 of 4 stars; one submission).

Allele frequency attached by ClinVar (database versions not stated): TOPMed below 0.00001; gnomAD 0.00001.
gnomAD v4.1: 1 of 1,613,906 alleles (0.000062%); highest among the groups gnomAD compares: Non-Finnish European, 0.000085%; no homozygotes.

Submission:

Athena Diagnostics
Classification: Uncertain significance. Last evaluated: 2022-12-16. Review status: criteria provided, single submitter. Criteria: Athena Diagnostics Criteria. Collection method: clinical testing. Allele origin: unknown.
Comment: Available data are insufficient to determine the clinical significance of the variant at this time. The frequency of this variant in the general population is uninformative in assessment of its pathogenicity. Computational tools predict that this variant is not damaging.

NM_001267550.2(TTN):c.10018A>G (p.Met3340Val)

Gene: TTN (titin; minus strand). Cytogenetic location: 2q31.2.
Variant type: single nucleotide variant.
Coding change: c.10018A>G on transcript NM_001267550.2 (MANE Select); coding-DNA position 10018, A replaced by G.
Protein change: p.Met3340Val; replaces methionine 3340 with valine.
Molecular consequence: missense variant.
Genome position (GRCh38, 1-based): chr2:178,764,273, T>C on the plus strand (A>G on the coding strand, the complement: TTN is on the minus strand). VCF-style: chr2-178764273-T-C. GRCh37 (hg19) VCF-style: chr2-179629000-T-C.
Other names: c.10018A>G, p.Met3340Val (NM_001256850.1, NM_133378.4, NM_133379.5); c.9880A>G, p.Met3294Val (NM_003319.4, NM_133432.3, NM_133437.4); short protein forms M3294V, M3340V.
Identifiers: ClinVar variation 2684085 (VCV002684085.1), dbSNP rs1399762922, ClinGen allele CA349673887.